The following is an entry in ClinVar:

ClinVar aggregate classification (germline): Uncertain significance (1 of 4 stars; one submission).

Submission:

Labcorp Genetics (formerly Invitae), Labcorp
Classification: Uncertain significance. Last evaluated: 2022-11-22. Review status: criteria provided, single submitter. Criteria: Invitae Variant Classification Sherloc (09022015). Collection method: clinical testing. Allele origin: germline.
Comment: In summary, the available evidence is currently insufficient to determine the role of this variant in disease. Therefore, it has been classified as a Variant of Uncertain Significance. Algorithms developed to predict the effect of missense changes on protein structure and function (SIFT, PolyPhen-2, Align-GVGD) all suggest that this variant is likely to be tolerated. This variant has not been reported in the literature in individuals affected with ABCA4-related conditions. This variant is not present in population databases (gnomAD no frequency). This sequence change replaces glycine, which is neutral and non-polar, with valine, which is neutral and non-polar, at codon 942 of the ABCA4 protein (p.Gly942Val).

NM_000350.3(ABCA4):c.2825G>T (p.Gly942Val)

Gene: ABCA4 (ATP binding cassette subfamily A member 4; minus strand). Cytogenetic location: 1p22.1.
Variant type: single nucleotide variant.
Coding change: c.2825G>T on transcript NM_000350.3 (MANE Select); coding-DNA position 2825, G replaced by T.
Protein change: p.Gly942Val; replaces glycine 942 with valine.
Molecular consequence: missense variant.
Genome position (GRCh38, 1-based): chr1:94,047,012, C>A on the plus strand (G>T on the coding strand, the complement: ABCA4 is on the minus strand). VCF-style: chr1-94047012-C-A. GRCh37 (hg19) VCF-style: chr1-94512568-C-A.
Other names: c.2603G>T, p.Gly868Val (NM_001425324.1); short protein forms G942V, G868V.
Identifiers: ClinVar variation 2093343 (VCV002093343.4), dbSNP rs1660703285, ClinGen allele CA341275463.